The following is an entry in ClinVar:

ClinVar aggregate classification (germline): Likely pathogenic (3 of 4 stars; one submission).

Conditions:
Phenylketonuria (PKU). Also called: Phenylketonurias; FOLLING DISEASE; Phenylketonuria (PKU); OLIGOPHRENIA PHENYLPYRUVICA. Identifiers: Orphanet 716, MedGen C0031485, MONDO:0009861, OMIM 261600. Disease mechanism: loss of function.

Submission:

ClinGen PAH Variant Curation Expert Panel
Classification: Likely pathogenic for Phenylketonuria. Last evaluated: 2020-11-13. Review status: reviewed by expert panel. Criteria: ClinGen PAH ACMG Specifications v1. Collection method: curation. Allele origin: germline. Inheritance: Autosomal recessive inheritance.
Comment: The c.835_836delinsTG (p.Pro279Cys) variant in PAH has been reported in 1 individual with hyperphenylalaninemia (BH4 deficiency excluded), detected with pathogenic variant p.R408W (PMID: 21147011). This variant is absent in population databases. Computational evidence supports a deleterious effect. In summary, this variant meets criteria to be classified as likely pathogenic for PAH. PAH-specific ACMG/AMP criteria applied: PP4_Moderate, PM2, PM3_supporting, PP3.

Literature cited by the submitters: PubMed 21147011.

NM_000277.3(PAH):c.835_836delinsTG (p.Pro279Cys)

Gene: PAH (phenylalanine hydroxylase; minus strand). Cytogenetic location: 12q23.2.
Variant type: Indel.
Coding change: c.835_836delinsTG on transcript NM_000277.3 (MANE Select); coding-DNA positions 835 to 836, CC replaced by TG.
Protein change: p.Pro279Cys; replaces proline 279 with cysteine.
Molecular consequence: missense variant.
Genome position (GRCh38, 1-based): chr12:102,852,821-102,852,822, GG replaced by CA on the plus strand (CC replaced by TG on the coding strand, the reverse complement: PAH is on the minus strand). VCF-style: chr12-102852821-GG-CA. GRCh37 (hg19) VCF-style: chr12-103246599-GG-CA.
Other names: NM_000277.1:c.835_836delinsTG; c.835_836delinsTG, p.Pro279Cys (NM_001354304.2); short protein forms P279C.
Identifiers: ClinVar variation 1693227 (VCV001693227.1), dbSNP rs2136646020, ClinGen allele CA645372267.